The following is an entry in ClinVar:

ClinVar aggregate classification (germline): Uncertain significance (1 of 4 stars; one submission).

Conditions:
Epidermolysis bullosa simplex 3, localized or generalized intermediate, with BP230 deficiency (EBS3). Also called: Epidermolysis bullosa simplex, autosomal recessive 2; Epidermolysis bullosa simplex due to BP230 deficiency. Identifiers: Orphanet 412181, MedGen C3809470, MONDO:0014180, OMIM 615425.
Hereditary sensory and autonomic neuropathy type 6. Also called: Neuropathy, hereditary sensory and autonomic, type VI; HSAN VI. Identifiers: Orphanet 314381, MedGen C3539003, MONDO:0013839, OMIM 614653.

Allele frequency attached by ClinVar (database versions not stated): gnomAD exomes below 0.00001; ExAC 0.00001.
gnomAD v4.1: 1 of 1,613,358 alleles (0.000062%); highest among the groups gnomAD compares: Non-Finnish European, 0.000085%; no homozygotes.

Submission:

Labcorp Genetics (formerly Invitae), Labcorp
Classification: Uncertain significance for Epidermolysis bullosa simplex 3, localized or generalized intermediate, with BP230 deficiency; Hereditary sensory and autonomic neuropathy type 6. Last evaluated: 2020-01-19. Review status: criteria provided, single submitter. Criteria: Invitae Variant Classification Sherloc (09022015). Collection method: clinical testing. Allele origin: germline.
Comment: In summary, the available evidence is currently insufficient to determine the role of this variant in disease. Therefore, it has been classified as a Variant of Uncertain Significance. Algorithms developed to predict the effect of missense changes on protein structure and function are either unavailable or do not agree on the potential impact of this missense change (SIFT: "Tolerated"; PolyPhen-2: "Not Available"; Align-GVGD: "Class C0"). This variant has not been reported in the literature in individuals with DST-related conditions. This variant is present in population databases (rs758298929, ExAC 0.01%). This sequence change replaces glutamic acid with glutamine at codon 1844 of the DST protein (p.Glu1844Gln). The glutamic acid residue is moderately conserved and there is a small physicochemical difference between the two amino acids. The DST gene has multiple clinically relevant transcripts. The p.Glu1844Gln variant occurs in alternate transcript NM_015548.4, which corresponds to NM_001723.5:c.*42615G>C in the primary transcript.

NM_001374736.1(DST):c.13399G>C (p.Glu4467Gln)

Gene: DST (dystonin; minus strand). Cytogenetic location: 6p12.1.
Variant type: single nucleotide variant.
Coding change: c.13399G>C on transcript NM_001374736.1 (MANE Select); coding-DNA position 13399, G replaced by C.
Protein change: p.Glu4467Gln; replaces glutamic acid 4467 with glutamine.
Molecular consequence: missense variant.
Genome position (GRCh38, 1-based): chr6:56,572,902, C>G on the plus strand (G>C on the coding strand, the complement: DST is on the minus strand). VCF-style: chr6-56572902-C-G. GRCh37 (hg19) VCF-style: chr6-56437700-C-G.
Other names: c.7042G>C, p.Glu2348Gln (NM_001144769.5); c.6628G>C, p.Glu2210Gln (NM_001144770.2); c.13399G>C, p.Glu4467Gln (NM_001374722.1); c.12766G>C, p.Glu4256Gln (NM_001374729.1); c.6508G>C, p.Glu2170Gln (NM_001374730.1, NM_183380.4); c.13426G>C, p.Glu4476Gln (NM_001374734.1); c.5530G>C, p.Glu1844Gln (NM_015548.5); short protein forms E2210Q, E2348Q, E4256Q, E4476Q, E1844Q, E2170Q, E4467Q.
Identifiers: ClinVar variation 971039 (VCV000971039.8), dbSNP rs758298929, ClinGen allele CA3868221.